The following is an entry in ClinVar:

ClinVar aggregate classification (germline): Pathogenic/Likely pathogenic. Review status: criteria provided, multiple submitters, no conflicts (2 of 4 stars). 2 submissions from 2 submitters: Pathogenic (1); Likely pathogenic (1). Last evaluated 2025-12-01.

Conditions:
DICER1-related tumor predisposition. Also called: DICER1-related pleuropulmonary blastoma cancer predisposition syndrome; DICER1 syndrome. Identifiers: Orphanet 284343, MedGen C3839822, MONDO:0100216.

Submissions (2):

Unidad de Genómica Garrahan, Hospital de Pediatría Garrahan
Classification: Pathogenic for DICER1-related tumor predisposition. Last evaluated: 2025-12-01. Review status: criteria provided, single submitter. Criteria: Hatton et al. (Hum Mutat. 2023). Collection method: clinical testing. Allele origin: germline. Affected: yes.
Comment: This sequence alteration creates a premature translational stop signal in the DICER1 gene. It is expected to result in an absent or disrupted protein product in a gene for which loss-of-function is a known mechanism of disease (PVS1_very strong). The variant is not reported in population-based cohorts in the Genome Aggregation Database (gnomAD) (PM2_Supporting). Based on the available evidence and following the ClinGen DICER1 and miRNA-Processing Gene Expert Panel Specifications to the ACMG/AMP Variant Interpretation Guidelines for DICER1 (PMID: 38084291) this alteration is classified as pathogenic.

PreventionGenetics, part of Exact Sciences
Classification: Likely pathogenic. Last evaluated: 2018-03-28. Review status: criteria provided, single submitter. Criteria: ACMG Guidelines, 2015. Collection method: clinical testing. Allele origin: germline.

Literature cited by the submitters: PubMed 35986592 (cited by Unidad de Genómica Garrahan, Hospital de Pediatría Garrahan).

NM_177438.3(DICER1):c.3293G>A (p.Trp1098Ter)

Gene: DICER1 (dicer 1, ribonuclease III; minus strand). Cytogenetic location: 14q32.13.
Variant type: single nucleotide variant.
Coding change: c.3293G>A on transcript NM_177438.3 (MANE Select); coding-DNA position 3293, G replaced by A.
Protein change: p.Trp1098Ter; replaces tryptophan 1098 with a stop codon.
Molecular consequence: nonsense.
Genome position (GRCh38, 1-based): chr14:95,104,103, C>T on the plus strand (G>A on the coding strand, the complement: DICER1 is on the minus strand). VCF-style: chr14-95104103-C-T. GRCh37 (hg19) VCF-style: chr14-95570440-C-T.
Other names: p.(Trp1098*); c.3293G>A, p.Trp1098Ter (NM_001195573.1, NM_001271282.3, NM_001291628.2 and 1 more transcripts); short protein forms W1098*.
Identifiers: ClinVar variation 690470 (VCV000690470.3), dbSNP rs1595367992, ClinGen allele CA390876039.